The following is an entry in ClinVar:

ClinVar aggregate classification (germline): Uncertain significance. Review status: criteria provided, multiple submitters, no conflicts (2 of 4 stars). 3 submissions from 3 submitters: Uncertain significance (3). Last evaluated 2024-12-22.

Conditions:
Inborn genetic diseases. Identifiers: MedGen C0950123, MeSH D030342.

Allele frequency attached by ClinVar (database versions not stated): ExAC 0.00007; gnomAD 0.00014; ESP Exome Variant Server 0.00015; TOPMed 0.00017; 1000 Genomes Project 0.00040; 1000 Genomes Project 30x 0.00047.
gnomAD v4.1: 53 of 1,519,908 alleles (0.0035%); highest among the groups gnomAD compares: African/African-American, 0.068%; no homozygotes.

Submissions (3):

GeneDx
Classification: Uncertain significance. Last evaluated: 2024-12-22. Review status: criteria provided, single submitter. Criteria: GeneDx Variant Classification Process June 2021. Collection method: clinical testing. Allele origin: germline. Affected: yes.
Comment: De novo variant in a patient in a large cohort study of patients with neurodevelopmental disorders; however, the proband had additional variants identified (PMID: 33057194); In silico analysis supports that this missense variant has a deleterious effect on protein structure/function; This variant is associated with the following publications: (PMID: 35982159, 33057194)

Ambry Genetics
Classification: Uncertain significance for Inborn genetic diseases. Last evaluated: 2023-07-25. Review status: criteria provided, single submitter. Criteria: Ambry Variant Classification Scheme 2023. Collection method: clinical testing. Allele origin: germline.

Blueprint Genetics
Classification: Uncertain significance. Last evaluated: 2020-07-13. Review status: criteria provided, single submitter. Criteria: ACMG Guidelines, 2015. Collection method: clinical testing. Allele origin: germline.

NM_001042646.3(TRAK1):c.1493C>T (p.Ala498Val)

Gene: TRAK1 (trafficking kinesin protein 1; plus strand). Cytogenetic location: 3p22.1.
Variant type: single nucleotide variant.
Coding change: c.1493C>T on transcript NM_001042646.3 (MANE Select); coding-DNA position 1493, C replaced by T.
Protein change: p.Ala498Val; replaces alanine 498 with valine.
Molecular consequence: missense variant. On other transcripts: non-coding transcript variant (1).
Genome position (GRCh38, 1-based): chr3:42,202,501, C>T. VCF-style: chr3-42202501-C-T. GRCh37 (hg19) VCF-style: chr3-42243993-C-T.
Other names: c.1493C>T, p.Ala498Val (NM_001265608.2, NM_001349246.2, NM_001349247.2); c.1271C>T, p.Ala424Val (NM_001265609.2, NM_001265610.1, NM_001349248.1 and 1 more transcripts); c.1181C>T, p.Ala394Val (NM_001349245.1); c.1319C>T, p.Ala440Val (NM_001410741.1, NM_014965.5); c.1493C>T (NM_001042646.2); short protein forms A440V, A498V, A394V, A424V.
Identifiers: ClinVar variation 2591932 (VCV002591932.4), dbSNP rs143656268, ClinGen allele CA2333509.